The following is an entry in ClinVar:

NM_001382430.1(AKT1):c.1333C>G (p.Gln445Glu)

Gene: AKT1 (AKT serine/threonine kinase 1; minus strand). Cytogenetic location: 14q32.33.
Variant type: single nucleotide variant.
Coding change: c.1333C>G on transcript NM_001382430.1 (MANE Select); coding-DNA position 1333, C replaced by G.
Protein change: p.Gln445Glu; replaces glutamine 445 with glutamic acid.
Molecular consequence: missense variant.
Genome position (GRCh38, 1-based): chr14:104,770,775, G>C on the plus strand (C>G on the coding strand, the complement: AKT1 is on the minus strand). VCF-style: chr14-104770775-G-C. GRCh37 (hg19) VCF-style: chr14-105237112-G-C.
Other names: c.1333C>G, p.Gln445Glu (NM_001014431.2, NM_001014432.2, NM_001382431.1 and 3 more transcripts); short protein forms Q445E.
Identifiers: ClinVar variation 3519069 (VCV003519069.1).

ClinVar aggregate classification (germline): Uncertain significance (1 of 4 stars; one submission).

Conditions:
Inborn genetic diseases. Identifiers: MedGen C0950123, MeSH D030342.

Submission:

Ambry Genetics
Classification: Uncertain significance for Inborn genetic diseases. Last evaluated: 2024-10-08. Review status: criteria provided, single submitter. Criteria: Ambry Variant Classification Scheme 2023. Collection method: clinical testing. Allele origin: germline.
Comment: The p.Q445E variant (also known as c.1333C>G), located in coding exon 12 of the AKT1 gene, results from a C to G substitution at nucleotide position 1333. The glutamine at codon 445 is replaced by glutamic acid, an amino acid with highly similar properties. This amino acid position is conserved. In addition, this alteration is predicted to be tolerated by in silico analysis. Based on the available evidence, the clinical significance of this variant remains unclear.